The following is an entry in ClinVar:

ClinVar aggregate classification (germline): Benign/Likely benign. Review status: criteria provided, multiple submitters, no conflicts (2 of 4 stars). 5 submissions from 5 submitters: Benign (1); Likely benign (3). 1 of the submissions does not count toward it. Last evaluated 2026-01-15.

Conditions:
FARS2-related disorder. Also called: FARS2-related disorders; FARS2-related condition.
Combined oxidative phosphorylation defect type 14. Also called: Combined oxidative phosphorylation deficiency 14. Identifiers: Orphanet 319519, MedGen C4755312, MONDO:0013986, OMIM 614946.

Allele frequency attached by ClinVar (database versions not stated): gnomAD exomes 0.00010 and 0.00014; gnomAD 0.00011 and 0.00013; ESP Exome Variant Server 0.00015; ExAC 0.00016; TOPMed 0.00018.
gnomAD v4.1: 159 of 1,613,654 alleles (0.0099%); highest among the groups gnomAD compares: Admixed American, 0.033%; no homozygotes.

Submissions (5):

Labcorp Genetics (formerly Invitae), Labcorp
Classification: Likely benign for Combined oxidative phosphorylation defect type 14. Last evaluated: 2026-01-15. Review status: criteria provided, single submitter. Criteria: Invitae Variant Classification Sherloc (09022015). Collection method: clinical testing. Allele origin: germline.

Blueprint Genetics
Classification: Likely benign. Last evaluated: 2024-08-12. Review status: criteria provided, single submitter. Criteria: ACMG Guidelines, 2015. Collection method: clinical testing. Allele origin: germline.

Wong Mito Lab, Molecular and Human Genetics, Baylor College of Medicine
Classification: Benign for Combined oxidative phosphorylation deficiency 14. Last evaluated: 2018-06-13. Review status: criteria provided, single submitter. Criteria: ACMG Guidelines, 2015. Collection method: clinical testing. Allele origin: germline.

GeneDx
Classification: Likely benign. Last evaluated: 2017-02-01. Review status: criteria provided, single submitter. Criteria: GeneDx Variant Classification (06012015). Collection method: clinical testing. Allele origin: germline. Affected: yes.
Comment: This variant is considered likely benign or benign based on one or more of the following criteria: it is a conservative change, it occurs at a poorly conserved position in the protein, it is predicted to be benign by multiple in silico algorithms, and/or has population frequency not consistent with disease.

PreventionGenetics, part of Exact Sciences
Classification: Likely benign for FARS2-related condition. Last evaluated: 2019-06-28. Review status: no assertion criteria provided. Collection method: clinical testing. Allele origin: germline. Not counted in ClinVar's aggregate classification.
Comment: This variant is classified as likely benign based on ACMG/AMP sequence variant interpretation guidelines (Richards et al. 2015 PMID: 25741868, with internal and published modifications).

NM_006567.5(FARS2):c.873C>T (p.Cys291=)

Gene: FARS2 (phenylalanyl-tRNA synthetase 2, mitochondrial; plus strand). Cytogenetic location: 6p25.1.
Variant type: single nucleotide variant.
Coding change: c.873C>T on transcript NM_006567.5 (MANE Select); coding-DNA position 873, C replaced by T.
Protein change: p.Cys291=; no amino-acid change (cysteine 291 retained).
Molecular consequence: synonymous variant. On other transcripts: intron variant (1).
Genome position (GRCh38, 1-based): chr6:5,431,141, C>T. VCF-style: chr6-5431141-C-T. GRCh37 (hg19) VCF-style: chr6-5431374-C-T.
Other names: c.873C>T, p.Cys291= (NM_001318872.2, NM_001374875.1, NM_001374876.1 and 4 more transcripts); c.177C>T, p.Cys59= (NM_001375259.1, NM_001375260.1); c.772+26440C>T (NM_001375258.1).
Identifiers: ClinVar variation 516064 (VCV000516064.14), dbSNP rs372301183, ClinGen allele CA3623773.